The following is an entry in ClinVar:

NM_000059.4(BRCA2):c.7210_7216delinsTGTAG (p.Lys2404fs)

Gene: BRCA2 (BRCA2 DNA repair associated; plus strand). Cytogenetic location: 13q13.1.
Variant type: Indel.
Coding change: c.7210_7216delinsTGTAG on transcript NM_000059.4 (MANE Select); coding-DNA positions 7210 to 7216, AAAGTCT replaced by TGTAG.
Protein change: p.Lys2404fs; shifts the reading frame from lysine 2404.
Molecular consequence: frameshift variant.
Genome position (GRCh38, 1-based): chr13:32,355,063-32,355,069, AAAGTCT replaced by TGTAG. VCF-style: chr13-32355063-AAAGTCT-TGTAG. GRCh37 (hg19) VCF-style: chr13-32929200-AAAGTCT-TGTAG.
Other names: c.7210_7216delAAAGTCTinsTGTAG (NM_000059.3); short protein forms K2404fs.
Identifiers: ClinVar variation 265550 (VCV000265550.4), dbSNP rs397507904, ClinGen allele CA10588568.

ClinVar aggregate classification (germline): Pathogenic. Review status: reviewed by expert panel (3 of 4 stars). 4 submissions from 4 submitters: Pathogenic (1). 3 of the submissions do not count toward it. Last evaluated 2017-12-15.

Conditions:
Breast-ovarian cancer, familial, susceptibility to, 2 (BROVCA2). Also called: BRCA2 Hereditary Breast and Ovarian Cancer. Identifiers: Orphanet 145, MedGen C2675520, MONDO:0012933, OMIM 612555. Disease mechanism: loss of function.
Hereditary cancer-predisposing syndrome. Also called: Neoplastic Syndromes, Hereditary; Tumor predisposition; Hereditary Cancer Syndrome; Hereditary neoplastic syndrome. Identifiers: Orphanet 140162, MedGen C0027672, MeSH D009386, MONDO:0015356.
Hereditary breast ovarian cancer syndrome. Also called: Hereditary breast and ovarian cancer; BRCA1- and BRCA2-Associated Hereditary Breast and Ovarian Cancer; Breast and ovarian cancer; Hereditary breast and ovarian cancer syndrome; Hereditary breast and ovarian cancer syndrome (HBOC); Hereditary breast and/or ovarian cancer syndrome. Identifiers: Orphanet 145, MedGen C0677776, MeSH D061325, MONDO:0003582. Disease mechanism: loss of function.

Submissions (4):

Evidence-based Network for the Interpretation of Germline Mutant Alleles (ENIGMA)
Classification: Pathogenic for Breast-ovarian cancer, familial, susceptibility to, 2. Last evaluated: 2017-12-15. Review status: reviewed by expert panel. Criteria: ENIGMA BRCA1/2 Classification Criteria (2017-06-29). Collection method: curation. Allele origin: germline. Study: ENIGMA.
Comment: Variant allele predicted to encode a truncated non-functional protein.

Women's Health and Genetics/Laboratory Corporation of America, LabCorp
Classification: Pathogenic for Hereditary breast ovarian cancer syndrome. Last evaluated: 2026-05-06. Review status: criteria provided, single submitter. Criteria: LabCorp Variant Classification Summary - May 2015. Collection method: clinical testing. Allele origin: germline. Not counted in ClinVar's aggregate classification.
Comment: Variant summary: BRCA2 c.7210_7216delinsTGTAG (p.Lys2404CysfsX7) results in a premature termination codon, predicted to cause a truncation of the encoded protein or absence of the protein due to nonsense mediated decay, which are commonly known mechanisms for disease. The variant was absent in 251318 control chromosomes. To our knowledge, no occurrence of c.7210_7216delinsTGTAG in individuals affected with BRCA2-related conditions and no experimental evidence demonstrating its impact on protein function have been reported. ClinVar contains an entry for this variant (Variation ID: 265550). Based on the evidence outlined above, the variant was classified as pathogenic.

Ambry Genetics
Classification: Pathogenic for Hereditary cancer-predisposing syndrome. Last evaluated: 2024-06-11. Review status: criteria provided, single submitter. Criteria: Ambry Variant Classification Scheme 2023. Collection method: clinical testing. Allele origin: germline. Not counted in ClinVar's aggregate classification.
Comment: The c.7210_7216delAAAGTCTinsTGTAG pathogenic mutation, located in coding exon 13 of the BRCA2 gene, results from the deletion of 7 nucleotides and insertion of 5 nucleotides causing a translational frameshift with a predicted alternate stop codon (p.K2404Cfs*7). This variant is considered to be rare based on population cohorts in the Genome Aggregation Database (gnomAD). This alteration is expected to result in loss of function by premature protein truncation or nonsense-mediated mRNA decay. As such, this alteration is interpreted as a disease-causing mutation.

GeneDx
Classification: Pathogenic. Last evaluated: 2016-01-20. Review status: criteria provided, single submitter. Criteria: GeneDx Variant Classification (06012015). Collection method: clinical testing. Allele origin: germline. Affected: yes. Not counted in ClinVar's aggregate classification.
Comment: This combined deletion and insertion is denoted BRCA2 c.7210_7216delAAAGTCTinsTGTAG at the cDNA level and p.Lys2404CysfsX7 (K2404CfsX7) at the protein level. The normal sequence, with the bases that are deleted in braces and inserted in brackets, is AACC[AAAGTCT][TGTAG]TTGT. The variant causes a frameshift, which changes a Lysine to a Cysteine at codon 2404, and creates a premature stop codon at position 7 of the new reading frame. Although this variant has not, to our knowledge, been reported in the literature, it is predicted to cause loss of normal protein function through either protein truncation or nonsense-mediated mRNA decay. We consider this variant to be pathogenic.